The following is an entry in ClinVar:

NM_001478.5(B4GALNT1):c.712+342T>G

Gene: B4GALNT1 (beta-1,4-N-acetyl-galactosaminyltransferase 1; minus strand). Cytogenetic location: 12q13.3.
Variant type: single nucleotide variant.
Coding change: c.712+342T>G on transcript NM_001478.5 (MANE Select); 342 bases into the intron after coding-DNA position 712, T replaced by G.
Molecular consequence: intron variant. On other transcripts: 3 prime UTR variant (1).
Genome position (GRCh38, 1-based): chr12:57,629,810, A>C on the plus strand (T>G on the coding strand, the complement: B4GALNT1 is on the minus strand). VCF-style: chr12-57629810-A-C. GRCh37 (hg19) VCF-style: chr12-58023593-A-C.
Other names: c.*67T>G (NM_001276469.2); c.547+342T>G (NM_001276468.2).
Identifiers: ClinVar variation 680194 (VCV000680194.2), dbSNP rs715931, ClinGen allele CA237791741.

ClinVar aggregate classification (germline): Likely benign. Review status: criteria provided, multiple submitters, no conflicts (2 of 4 stars). 2 submissions from 2 submitters: Likely benign (2). Last evaluated 2018-06-16.

Allele frequency attached by ClinVar (database versions not stated): gnomAD 0.03250; gnomAD exomes 0.03589; TOPMed 0.03882; 1000 Genomes Project 0.05571.

Submissions (2):

GeneDx
Classification: Likely benign. Last evaluated: 2018-06-16. Review status: criteria provided, single submitter. Criteria: GeneDx Variant Classification (06012015). Collection method: clinical testing. Allele origin: germline. Affected: yes.
Comment: This variant is considered likely benign or benign based on one or more of the following criteria: it is a conservative change, it occurs at a poorly conserved position in the protein, it is predicted to be benign by multiple in silico algorithms, and/or has population frequency not consistent with disease.

Breakthrough Genomics
Classification: Likely benign. Review status: criteria provided, single submitter. Criteria: ACMG Guidelines, 2015. Collection method: not provided. Allele origin: germline. Inheritance: Autosomal recessive inheritance. Affected: yes.